The following is an entry in ClinVar:

NM_001377137.1(GBF1):c.5233G>A (p.Ala1745Thr)

Gene: GBF1 (golgi brefeldin A resistant guanine nucleotide exchange factor 1; plus strand). Cytogenetic location: 10q24.32.
Variant type: single nucleotide variant.
Coding change: c.5233G>A on transcript NM_001377137.1 (MANE Select); coding-DNA position 5233, G replaced by A.
Protein change: p.Ala1745Thr; replaces alanine 1745 with threonine.
Molecular consequence: missense variant. On other transcripts: non-coding transcript variant (5), intron variant (1).
Genome position (GRCh38, 1-based): chr10:102,381,186, G>A. VCF-style: chr10-102381186-G-A. GRCh37 (hg19) VCF-style: chr10-104140943-G-A.
Other names: c.5221G>A, p.Ala1741Thr (NM_001199378.2, NM_001391923.1); c.5218G>A, p.Ala1740Thr (NM_001199379.2, NM_001391924.1); c.5182G>A, p.Ala1728Thr (NM_001377138.1); c.4936G>A, p.Ala1646Thr (NM_001377139.1, NM_001391930.1); c.4924G>A, p.Ala1642Thr (NM_001377140.1); c.5230G>A, p.Ala1744Thr (NM_001377141.1, NM_004193.3); c.5317G>A, p.Ala1773Thr (NM_001391922.1); c.5158+500G>A (NM_001391927.1); and 7 more; short protein forms A1614T, A1741T, A1646T, A1661T, A1732T, A1777T, A1740T, A1744T.
Identifiers: ClinVar variation 2515702 (VCV002515702.3), dbSNP rs551452443, ClinGen allele CA5664281.

ClinVar aggregate classification (germline): Uncertain significance. Review status: criteria provided, multiple submitters, no conflicts (2 of 4 stars). 2 submissions from 2 submitters: Uncertain significance (2). Last evaluated 2026-06-10.

Allele frequency attached by ClinVar (database versions not stated): 1000 Genomes Project 30x 0.00031; TOPMed 0.00001; ExAC 0.00002; gnomAD 0.00003; gnomAD exomes 0.00001; 1000 Genomes Project 0.00020.
gnomAD v4.1: 20 of 1,613,872 alleles (0.0012%); highest among the groups gnomAD compares: South Asian, 0.0088%; no homozygotes.

Submissions (2):

Women's Health and Genetics/Laboratory Corporation of America, LabCorp
Classification: Uncertain significance. Last evaluated: 2026-06-10. Review status: criteria provided, single submitter. Criteria: LabCorp Variant Classification Summary - May 2015. Collection method: clinical testing. Allele origin: germline.
Comment: Variant summary: GBF1 c.5230G>A (p.Ala1744Thr) results in a non-conservative amino acid change in the encoded protein sequence. Algorithms developed to predict the effect of missense changes on protein structure and function are either unavailable or do not agree on the potential impact of this missense change. The variant allele was found at a frequency of 2e-05 in 251426 control chromosomes. The available data on variant occurrences in the general population are insufficient to allow any conclusion about variant significance. To our knowledge, no occurrence of c.5230G>A in individuals affected with GBF1-related conditions and no experimental evidence demonstrating its impact on protein function have been reported. ClinVar contains an entry for this variant (Variation ID: 2515702). Based on the evidence outlined above, the variant was classified as uncertain significance.

Ambry Genetics
Classification: Uncertain significance. Last evaluated: 2023-04-19. Review status: criteria provided, single submitter. Criteria: Ambry Variant Classification Scheme 2023. Collection method: clinical testing. Allele origin: germline.